The following is an entry in ClinVar:

ClinVar aggregate classification (germline): Uncertain significance (1 of 4 stars; one submission).

Submission:

GeneDx
Classification: Uncertain significance. Last evaluated: 2025-11-24. Review status: criteria provided, single submitter. Criteria: GeneDx Variant Classification Process June 2021. Collection method: clinical testing. Allele origin: germline.
Comment: Not observed at significant frequency in large population cohorts (gnomAD); In silico analysis supports that this missense variant has a deleterious effect on protein structure/function; Has not been previously published as pathogenic or benign to our knowledge

NM_001001331.4(ATP2B2):c.2246A>C (p.His749Pro)

Gene: ATP2B2 (ATPase plasma membrane Ca2+ transporting 2; minus strand). Cytogenetic location: 3p25.3.
Variant type: single nucleotide variant.
Coding change: c.2246A>C on transcript NM_001001331.4 (MANE Select); coding-DNA position 2246, A replaced by C.
Protein change: p.His749Pro; replaces histidine 749 with proline.
Molecular consequence: missense variant.
Genome position (GRCh38, 1-based): chr3:10,350,468, T>G on the plus strand (A>C on the coding strand, the complement: ATP2B2 is on the minus strand). VCF-style: chr3-10350468-T-G. GRCh37 (hg19) VCF-style: chr3-10392152-T-G.
Other names: c.2111A>C, p.His704Pro (NM_001330611.3, NM_001353564.1, NM_001363862.1 and 1 more transcripts); short protein forms H704P, H749P.
Identifiers: ClinVar variation 2504763 (VCV002504763.2), dbSNP rs755630251, ClinGen allele CA351779736.